The following is an entry in ClinVar:

NM_001127649.3(PEX26):c.851C>T (p.Ala284Val)

Gene: PEX26 (peroxisomal biogenesis factor 26; plus strand). Cytogenetic location: 22q11.21.
Variant type: single nucleotide variant.
Coding change: c.851C>T on transcript NM_001127649.3 (MANE Select); coding-DNA position 851, C replaced by T.
Protein change: p.Ala284Val; replaces alanine 284 with valine.
Molecular consequence: missense variant.
Genome position (GRCh38, 1-based): chr22:18,088,008, C>T. VCF-style: chr22-18088008-C-T. GRCh37 (hg19) VCF-style: chr22-18570774-C-T.
Other names: c.704C>T, p.Ala235Val (NM_001199319.2); c.851C>T, p.Ala284Val (NM_017929.6); short protein forms A235V, A284V.
Identifiers: ClinVar variation 940519 (VCV000940519.9), dbSNP rs200004274, ClinGen allele CA10093433.

ClinVar aggregate classification (germline): Uncertain significance. Review status: criteria provided, multiple submitters, no conflicts (2 of 4 stars). 3 submissions from 3 submitters: Uncertain significance (3). Last evaluated 2025-08-26.

Conditions:
Peroxisome biogenesis disorder 7A (Zellweger). Also called: Peroxisome biogenesis disorder 7A. Identifiers: Orphanet 912, MedGen C3888385, MONDO:0013938, OMIM 614872.
Peroxisome biogenesis disorder 7B (PBD7B). Identifiers: Orphanet 44, MedGen C3553951, MONDO:0013939, OMIM 614873.
Inborn genetic diseases. Identifiers: MedGen C0950123, MeSH D030342.

Allele frequency attached by ClinVar (database versions not stated): gnomAD 0.00001; gnomAD exomes 0.00001 and 0.00004; ExAC 0.00004; 1000 Genomes Project 30x 0.00016; 1000 Genomes Project 0.00020.
gnomAD v4.1: 23 of 1,613,616 alleles (0.0014%); highest among the groups gnomAD compares: South Asian, 0.022%; no homozygotes.

Submissions (3):

Ambry Genetics
Classification: Uncertain significance for Inborn genetic diseases. Last evaluated: 2025-08-26. Review status: criteria provided, single submitter. Criteria: Ambry Variant Classification Scheme 2023. Collection method: clinical testing. Allele origin: germline.

Labcorp Genetics (formerly Invitae), Labcorp
Classification: Uncertain significance for Peroxisome biogenesis disorder 7A (Zellweger); Peroxisome biogenesis disorder 7B. Last evaluated: 2022-08-22. Review status: criteria provided, single submitter. Criteria: Invitae Variant Classification Sherloc (09022015). Collection method: clinical testing. Allele origin: germline.
Comment: This sequence change replaces alanine, which is neutral and non-polar, with valine, which is neutral and non-polar, at codon 284 of the PEX26 protein (p.Ala284Val). This variant is present in population databases (rs200004274, gnomAD 0.03%). This variant has not been reported in the literature in individuals affected with PEX26-related conditions. ClinVar contains an entry for this variant (Variation ID: 940519). Algorithms developed to predict the effect of missense changes on protein structure and function are either unavailable or do not agree on the potential impact of this missense change (SIFT: "Tolerated"; PolyPhen-2: "Possibly Damaging"; Align-GVGD: "Class C0"). In summary, the available evidence is currently insufficient to determine the role of this variant in disease. Therefore, it has been classified as a Variant of Uncertain Significance.

Blueprint Genetics
Classification: Uncertain significance. Last evaluated: 2018-09-10. Review status: criteria provided, single submitter. Criteria: ACMG Guidelines, 2015. Collection method: clinical testing. Allele origin: germline.